The following is an entry in ClinVar:

ClinVar aggregate classification (germline): Uncertain significance. Review status: criteria provided, multiple submitters, no conflicts (2 of 4 stars). 3 submissions from 3 submitters: Uncertain significance (3). Last evaluated 2026-04-13.

Conditions:
Familial idiopathic hypercalciuria (HCA2). Also called: Hypercalciuria, absorptive, 2; Hypercalciuria, absorptive, susceptibility to. Identifiers: MedGen C0342639, MONDO:0007748, OMIM 143870.
ADCY10-related disorder. Also called: ADCY10-related condition.

Allele frequency attached by ClinVar (database versions not stated): TOPMed 0.00001; gnomAD exomes below 0.00001; gnomAD 0.00001.
gnomAD v4.1: 5 of 1,613,922 alleles (0.00031%); highest among the groups gnomAD compares: Admixed American, 0.0067%; no homozygotes.

Submissions (3):

PreventionGenetics, part of Exact Sciences
Classification: Uncertain significance for ADCY10-related condition. Last evaluated: 2026-04-13. Review status: criteria provided, single submitter. Criteria: ACMG Guidelines, 2015. Collection method: clinical testing. Allele origin: germline.
Comment: The ADCY10 c.3422G>C variant is predicted to result in the amino acid substitution p.Cys1141Ser. To our knowledge, this variant has not been reported in the literature. This variant is reported in 0.0029% of alleles in individuals of Latino descent in gnomAD. At this time, the clinical significance of this variant is uncertain due to the absence of conclusive functional and genetic evidence.

Fulgent Genetics
Classification: Uncertain significance for Familial idiopathic hypercalciuria. Last evaluated: 2021-11-17. Review status: criteria provided, single submitter. Criteria: ACMG Guidelines, 2015. Collection method: clinical testing. Allele origin: unknown.

Labcorp Genetics (formerly Invitae), Labcorp
Classification: Uncertain significance. Last evaluated: 2020-03-05. Review status: criteria provided, single submitter. Criteria: Invitae Variant Classification Sherloc (09022015). Collection method: clinical testing. Allele origin: germline.
Comment: In summary, the available evidence is currently insufficient to determine the role of this variant in disease. Therefore, it has been classified as a Variant of Uncertain Significance. Algorithms developed to predict the effect of missense changes on protein structure and function output the following: SIFT: "Deleterious"; PolyPhen-2: "Benign"; Align-GVGD: "Class C0". The serine amino acid residue is found in multiple mammalian species, suggesting that this missense change does not adversely affect protein function. These predictions have not been confirmed by published functional studies and their clinical significance is uncertain. This variant has not been reported in the literature in individuals with ADCY10-related conditions. This variant is not present in population databases (ExAC no frequency). This sequence change replaces cysteine with serine at codon 1141 of the ADCY10 protein (p.Cys1141Ser). The cysteine residue is highly conserved and there is a moderate physicochemical difference between cysteine and serine.

NM_018417.6(ADCY10):c.3422G>C (p.Cys1141Ser)

Gene: ADCY10 (adenylate cyclase 10; minus strand). Cytogenetic location: 1q24.2.
Variant type: single nucleotide variant.
Coding change: c.3422G>C on transcript NM_018417.6 (MANE Select); coding-DNA position 3422, G replaced by C.
Protein change: p.Cys1141Ser; replaces cysteine 1141 with serine.
Molecular consequence: missense variant.
Genome position (GRCh38, 1-based): chr1:167,833,158, C>G on the plus strand (G>C on the coding strand, the complement: ADCY10 is on the minus strand). VCF-style: chr1-167833158-C-G. GRCh37 (hg19) VCF-style: chr1-167802396-C-G.
Other names: c.3422G>C (NM_018417.5); c.2963G>C, p.Cys988Ser (NM_001167749.3); c.3146G>C, p.Cys1049Ser (NM_001297772.2); short protein forms C1049S, C1141S, C988S.
Identifiers: ClinVar variation 1015315 (VCV001015315.7), dbSNP rs1186181573, ClinGen allele CA343103049.
Genomic context (GRCh38, chr1:167,833,158, plus strand): 5'-AGGAGCTTCAGTGCCTTCCTCAGCATTTTCTTGGCAAGCACTATCTGGCCCATATTGAAA[C>G]AGACCTACAGGGAGGTGGGAGGGAAGAGAGGAAAAGAGGAAAACGATGATTCTAACTTAA-3'
Protein context (NP_060887.2, residues 1131-1151): ATFYSLKGEV[Cys1141Ser]FNMGQIVLAK